The following is an entry in ClinVar:

NM_001364905.1(LRBA):c.8511T>G (p.Phe2837Leu)

Gene: LRBA (LPS responsive beige-like anchor protein; minus strand). Cytogenetic location: 4q31.3.
Variant type: single nucleotide variant.
Coding change: c.8511T>G on transcript NM_001364905.1 (MANE Select); coding-DNA position 8511, T replaced by G.
Protein change: p.Phe2837Leu; replaces phenylalanine 2837 with leucine.
Molecular consequence: missense variant.
Genome position (GRCh38, 1-based): chr4:150,265,770, A>C on the plus strand (T>G on the coding strand, the complement: LRBA is on the minus strand). VCF-style: chr4-150265770-A-C. GRCh37 (hg19) VCF-style: chr4-151186922-A-C.
Other names: c.8508T>G, p.Phe2836Leu (NM_001199282.3); c.8526T>G, p.Phe2842Leu (NM_001367550.1); c.8544T>G, p.Phe2848Leu (NM_006726.5); short protein forms F2836L, F2837L, F2842L, F2848L.
Identifiers: ClinVar variation 3621527 (VCV003621527.2).

ClinVar aggregate classification (germline): Uncertain significance (1 of 4 stars; one submission).

Conditions:
Combined immunodeficiency due to LRBA deficiency. Also called: Common variable immunodeficiency 8, with autoimmunity. Identifiers: Orphanet 445018, MedGen C3553512, MONDO:0013863, OMIM 614700.

Submission:

Labcorp Genetics (formerly Invitae), Labcorp
Classification: Uncertain significance for Combined immunodeficiency due to LRBA deficiency. Last evaluated: 2024-09-27. Review status: criteria provided, single submitter. Criteria: Invitae Variant Classification Sherloc (09022015). Collection method: clinical testing. Allele origin: germline.
Comment: This sequence change replaces phenylalanine, which is neutral and non-polar, with leucine, which is neutral and non-polar, at codon 2848 of the LRBA protein (p.Phe2848Leu). This variant is present in population databases (no rsID available, gnomAD 0.0009%). This variant has not been reported in the literature in individuals affected with LRBA-related conditions. Invitae Evidence Modeling of protein sequence and biophysical properties (such as structural, functional, and spatial information, amino acid conservation, physicochemical variation, residue mobility, and thermodynamic stability) has been performed for this missense variant. However, the output from this modeling did not meet the statistical confidence thresholds required to predict the impact of this variant on LRBA protein function. In summary, the available evidence is currently insufficient to determine the role of this variant in disease. Therefore, it has been classified as a Variant of Uncertain Significance.